The following is an entry in ClinVar:

ClinVar aggregate classification (germline): Pathogenic (3 of 4 stars; one submission).

Conditions:
Creatine transporter deficiency (CCDS1). Also called: Mental retardation , X-linked with seizures, short stature and midface hypoplasia; Mental retardation , X-linked, with creatine transport deficiency; X-linked creatine transporter deficiency; X-linked creatine deficiency syndrome; SLC6A8-Related Creatine Transporter Deficiency; CREATINE TRANSPORTER DEFECT. Identifiers: Orphanet 52503, MedGen C1845862, MONDO:0010305, OMIM 300352.

Submission:

ClinGen Cerebral Creatine Deficiency Syndromes Variant Curation Expert Panel, ClinGen
Classification: Pathogenic for Creatine transporter deficiency. Last evaluated: 2024-03-21. Review status: reviewed by expert panel. Criteria: ClinGen_CCDS_ACMG_Specifications_SLC6A8_v1.1. Collection method: curation. Allele origin: germline. Inheritance: X-linked inheritance.
Comment: The NM_005629.4:c.676G>T variant in SLC6A8 is a nonsense variant predicted to cause a premature stop codon in biologically relevant exon 4/13 (p.Glu226Ter) leading to nonsense mediated decay in a gene in which loss-of-function is an established disease mechanism (PVS1). The variant is absent in gnomAD v2.1.1. (PM2_Supporting). In summary, this variant meets criteria to be classified as pathogenic for creatine transporter deficiency. ACMG/AMP SLC6A8-specific criteria applied, as specified by the ClinGen CCDS VCEP (Specifications Version 1.1.0): PVS1, PM2_Supporting, PP4. (Classification approved by the ClinGen CCDS VCEP on March 21, 2024).

NM_005629.4(SLC6A8):c.676G>T (p.Glu226Ter)

Gene: SLC6A8 (solute carrier family 6 member 8; plus strand). Cytogenetic location: Xq28.
Variant type: single nucleotide variant.
Coding change: c.676G>T on transcript NM_005629.4 (MANE Select); coding-DNA position 676, G replaced by T.
Protein change: p.Glu226Ter; replaces glutamic acid 226 with a stop codon.
Molecular consequence: nonsense.
Genome position (GRCh38, 1-based): chrX:153,692,006, G>T. VCF-style: chrX-153692006-G-T. GRCh37 (hg19) VCF-style: chrX-152957461-G-T.
Other names: NM_001142805.2:c.676G>T; c.676G>T, p.Glu226Ter (NM_001142805.2); c.331G>T, p.Glu111Ter (NM_001142806.1); short protein forms E111*, E226*.
Identifiers: ClinVar variation 3066449 (VCV003066449.1), dbSNP rs2522158159, ClinGen allele CA415079810.